The following is an entry in ClinVar:

NM_000359.3(TGM1):c.1645+1G>T

Gene: TGM1 (transglutaminase 1; minus strand). Cytogenetic location: 14q12.
Variant type: single nucleotide variant.
Coding change: c.1645+1G>T on transcript NM_000359.3 (MANE Select); the canonical splice donor site of the intron after coding-DNA position 1645, G replaced by T.
Molecular consequence: splice donor variant.
Genome position (GRCh38, 1-based): chr14:24,255,363, C>A on the plus strand (G>T on the coding strand, the complement: TGM1 is on the minus strand). VCF-style: chr14-24255363-C-A. GRCh37 (hg19) VCF-style: chr14-24724569-C-A.
Other names: c.1645+1G>T (NM_000359.2).
Identifiers: ClinVar variation 1511895 (VCV001511895.16), dbSNP rs774242987, ClinGen allele CA7131039.
Genomic context (GRCh38, chr14:24,255,363, plus strand): 5'-AAGCACTTGGCAGGAACACTTGTTGTGGGGCCCAGAGCTGGCTGGGTTGGGGGAATGGTA[C>A]CTTCTGGGTGCTTATAGAGGTAGGTGATGTCCTCCCGCATGTTGGAGCTGATGGCCTTTG-3'

ClinVar aggregate classification (germline): Pathogenic/Likely pathogenic. Review status: criteria provided, multiple submitters, no conflicts (2 of 4 stars). 4 submissions from 4 submitters: Pathogenic (3); Likely pathogenic (1). Last evaluated 2025-09-16.

Conditions:
Autosomal recessive congenital ichthyosis 1 (LI1). Also called: ICHTHYOSIS CONGENITA; ICHTHYOSIS CONGENITA II; LAMELLAR EXFOLIATION OF NEWBORN; COLLODION FETUS; DESQUAMATION OF NEWBORN; ICHTHYOSIS, CONGENITAL, AUTOSOMAL RECESSIVE 1, WITH BATHING SUIT DISTRIBUTION. Identifiers: MedGen C4551630, MONDO:0009441, OMIM 242300.

Allele frequency attached by ClinVar (database versions not stated): ExAC 0.00001; gnomAD 0.00001; gnomAD exomes 0.00001.
gnomAD v4.1: 4 of 1,614,060 alleles (0.00025%); highest among the groups gnomAD compares: Admixed American, 0.0033%; no homozygotes.

Submissions (4):

Natera, Inc.
Classification: Pathogenic for Autosomal recessive congenital ichthyosis type 1. Last evaluated: 2025-09-16. Review status: criteria provided, single submitter. Criteria: Natera Variant Classification Schema (03/2026). Collection method: clinical testing. Allele origin: germline.
Comment: The c.1645+1G>T variant in TGM1 is a canonical splice donor site variant predicted to affect pre-mRNA splicing, which may result in an abnormal transcript and altered protein product. This variant is expected to result in nonsense mediated decay, truncation, or a dysfunctional protein product. This variant is rare in the general population with a frequency below the threshold expected for the associated phenotype(s). This variant has been observed in one or more individuals affected with the associated recessive disease, as either homozygous or compound heterozygous with a second variant (PMID: 37709012). Given the available evidence, this variant is classified as Pathogenic.

Labcorp Genetics (formerly Invitae), Labcorp
Classification: Pathogenic. Last evaluated: 2025-08-21. Review status: criteria provided, single submitter. Criteria: Invitae Variant Classification Sherloc (09022015). Collection method: clinical testing. Allele origin: germline.
Comment: This sequence change affects a donor splice site in intron 11 of the TGM1 gene. It is expected to disrupt RNA splicing. Variants that disrupt the donor or acceptor splice site typically lead to a loss of protein function (PMID: 16199547), and loss-of-function variants in TGM1 are known to be pathogenic (PMID: 18948357, 19241467). This variant is present in population databases (rs774242987, gnomAD 0.006%). Disruption of this splice site has been observed in individuals with clinical features of TGM1-related conditions (PMID: 37709012; internal data). ClinVar contains an entry for this variant (Variation ID: 1511895). Algorithms developed to predict the effect of sequence changes on RNA splicing suggest that this variant may disrupt the consensus splice site. For these reasons, this variant has been classified as Pathogenic.

Center for Human Genetics and Genomic Medicine, Uniklinik Rwth Aachen
Classification: Pathogenic for Autosomal recessive congenital ichthyosis 1. Last evaluated: 2022-06-23. Review status: criteria provided, single submitter. Criteria: ACMG Guidelines, 2015. Collection method: clinical testing. Allele origin: paternal. Inheritance: Autosomal recessive inheritance. Affected: yes. Observed: 1 compound heterozygote.
Comment: The detected change is reported in the dbSNP database (dbSNP151 as of 06/23/2022) with the designation rs774242987. In gnomAD it is listed with a frequency of 0.001061% (3/282686) (as of 06/23/2022). The change affects the canonical splice site and in all likelihood leads to altered splicing and usually to loss of function of the corresponding protein. The variant is currently to be regarded as a "pathogenic variant" (ACMG criteria).

Genome-Nilou Lab
Classification: Likely pathogenic for Autosomal recessive congenital ichthyosis 1. Review status: criteria provided, single submitter. Criteria: ACMG Guidelines, 2015. Collection method: clinical testing. Allele origin: germline.

Literature cited by the submitters: PubMed 37709012 (cited by Natera, Inc. and Labcorp Genetics (formerly Invitae), Labcorp); PubMed 16199547 (cited by Labcorp Genetics (formerly Invitae), Labcorp); PubMed 18948357 (cited by Labcorp Genetics (formerly Invitae), Labcorp); PubMed 19241467 (cited by Labcorp Genetics (formerly Invitae), Labcorp).